The following is an entry in ClinVar:

ClinVar aggregate classification (germline): Likely benign. Review status: criteria provided, multiple submitters, no conflicts (2 of 4 stars). 3 submissions from 3 submitters: Likely benign (2). 1 of the submissions does not count toward it. Last evaluated 2026-06-16.

Conditions:
USH2A-related disorder. Also called: USH2A-related condition; USH2A-related disorders. Identifiers: MedGen CN239332.
Usher syndrome type 2A. Also called: USHER SYNDROME, TYPE IIA; RETINAL DISEASE IN USHER SYNDROME TYPE IIA, MODIFIER OF. Identifiers: Orphanet 231178, Orphanet 886, MedGen C1848634, MONDO:0010169, OMIM 276901.

Allele frequency attached by ClinVar (database versions not stated): ExAC 0.00001; gnomAD exomes 0.00001; TOPMed 0.00006; gnomAD 0.00007; ESP Exome Variant Server 0.00008.
gnomAD v4.1: 17 of 1,613,472 alleles (0.0011%); highest among the groups gnomAD compares: African/African-American, 0.023%; no homozygotes.

Submissions (3):

PreventionGenetics, part of Exact Sciences
Classification: Likely benign for USH2A-related condition. Last evaluated: 2026-06-16. Review status: criteria provided, single submitter. Criteria: ACMG Guidelines, 2015. Collection method: clinical testing. Allele origin: germline.
Comment: This variant is classified as likely benign based on ACMG/AMP sequence variant interpretation guidelines (Richards et al. 2015 PMID: 25741868, with internal and published modifications).

Labcorp Genetics (formerly Invitae), Labcorp
Classification: Likely benign. Last evaluated: 2025-07-04. Review status: criteria provided, single submitter. Criteria: Invitae Variant Classification Sherloc (09022015). Collection method: clinical testing. Allele origin: germline.

Natera, Inc.
Classification: Likely benign for Usher syndrome type 2A. Last evaluated: 2021-05-20. Review status: no assertion criteria provided. Collection method: clinical testing. Allele origin: germline. Not counted in ClinVar's aggregate classification.

NM_206933.4(USH2A):c.5061T>C (p.Ile1687=)

Genes: USH2A (usherin; minus strand), USH2A-AS2 (USH2A antisense RNA 2; plus strand). Cytogenetic location: 1q41.
Variant type: single nucleotide variant.
Coding change: c.5061T>C on transcript NM_206933.4 (MANE Select); coding-DNA position 5061, T replaced by C.
Protein change: p.Ile1687=; no amino-acid change (isoleucine 1687 retained).
Molecular consequence: synonymous variant.
Genome position (GRCh38, 1-based): chr1:216,084,804, A>G on the plus strand (T>C on the coding strand, the complement: USH2A is on the minus strand). VCF-style: chr1-216084804-A-G. GRCh37 (hg19) VCF-style: chr1-216258146-A-G.
Other names: c.5061T>C (NM_206933.2).
Identifiers: ClinVar variation 1115717 (VCV001115717.11), dbSNP rs144857806, ClinGen allele CA1395545.